The following is an entry in ClinVar:

NM_001035.3(RYR2):c.3656A>C (p.Lys1219Thr)

Gene: RYR2 (ryanodine receptor 2; plus strand). Cytogenetic location: 1q43.
Variant type: single nucleotide variant.
Coding change: c.3656A>C on transcript NM_001035.3 (MANE Select); coding-DNA position 3656, A replaced by C.
Protein change: p.Lys1219Thr; replaces lysine 1219 with threonine.
Molecular consequence: missense variant.
Genome position (GRCh38, 1-based): chr1:237,589,850, A>C. VCF-style: chr1-237589850-A-C. GRCh37 (hg19) VCF-style: chr1-237753150-A-C.
Other names: short protein forms K1219T.
Identifiers: ClinVar variation 179818 (VCV000179818.5), dbSNP rs727505149, ClinGen allele CA009310.

ClinVar aggregate classification (germline): Uncertain significance (1 of 4 stars; one submission).

Submission:

Laboratory for Molecular Medicine, Mass General Brigham Personalized Medicine
Classification: Uncertain significance. Last evaluated: 2014-06-30. Review status: criteria provided, single submitter. Criteria: LMM Criteria. Collection method: clinical testing. Allele origin: germline. Observed: 1 variant allele.
Comment: The Lys1219Thr variant in RYR2 has not been previously reported in individuals w ith cardiomyopathy or in large population studies. Computational prediction too ls and conservation analysis do not provide strong support for or against an imp act to the protein. In summary, the clinical significance of the Lys1219Thr var iant is uncertain.